The following is an entry in ClinVar:

NM_007194.4(CHEK2):c.3G>T (p.Met1Ile)

Gene: CHEK2 (checkpoint kinase 2; minus strand). Cytogenetic location: 22q12.1.
Variant type: single nucleotide variant.
Coding change: c.3G>T on transcript NM_007194.4 (MANE Select); coding-DNA position 3, G replaced by T.
Protein change: p.Met1Ile; changes the start codon (methionine 1).
Molecular consequence: missense variant, initiator codon variant.
Genome position (GRCh38, 1-based): chr22:28,734,719, C>A on the plus strand (G>T on the coding strand, the complement: CHEK2 is on the minus strand). VCF-style: chr22-28734719-C-A. GRCh37 (hg19) VCF-style: chr22-29130707-C-A.
Other names: c.3G>T, p.Met1Ile (NM_001005735.3, NM_001349956.3, NM_145862.3); c.-775G>T (NM_001257387.3); short protein forms M1I.
Identifiers: ClinVar variation 460831 (VCV000460831.10), dbSNP rs786203977, ClinGen allele CA411092178.

ClinVar aggregate classification (germline): Uncertain significance (1 of 4 stars; one submission).

Conditions:
Familial cancer of breast. Also called: BREAST CANCER, FAMILIAL; hereditary breast carcinoma; Hereditary breast cancer. Identifiers: Orphanet 227535, MedGen C0346153, MONDO:0016419, OMIM 114480. Disease mechanism: loss of function.

Submission:

Labcorp Genetics (formerly Invitae), Labcorp
Classification: Uncertain significance for Familial cancer of breast. Last evaluated: 2017-05-28. Review status: criteria provided, single submitter. Criteria: Invitae Variant Classification Sherloc (09022015). Collection method: clinical testing. Allele origin: germline.
Comment: This sequence change affects the initiator methionine of the CHEK2 mRNA. Because the nearest downstream methionine that can be used to initiate translation of CHEK2 lies at codon 46, it is not known if this variant results in an absent or disrupted protein product. This variant is not present in population databases (ExAC no frequency). This variant has not been reported in the literature in individuals with a CHEK2-related disease. In summary, this variant has uncertain impact on CHEK2 function. The available evidence is currently insufficient to determine its role in disease. Therefore, it has been classified as a Variant of Uncertain Significance.